The following is an entry in ClinVar:

ClinVar aggregate classification (germline): Likely pathogenic (1 of 4 stars; one submission).

Submission:

GeneDx
Classification: Likely pathogenic. Last evaluated: 2016-02-11. Review status: criteria provided, single submitter. Criteria: GeneDx Variant Classification (06012015). Collection method: clinical testing. Allele origin: germline. Affected: yes.
Comment: The A166P variant in the CASK gene has not been reported previously as a pathogenic variant, nor as a benign variant, to our knowledge. The A166P variant was not observed in approximately 6,500 individuals of European and African American ancestry in the NHLBI Exome Sequencing Project, indicating it is not a common benign variant in these populations. The A166P variant is a semi-conservative amino acid substitution, which may impact secondary protein structure as these residues differ in some properties. This substitution occurs at a position that is conserved across species, and in silico analysis predicts this variant is probably damaging to the protein structure/function. The A166P variant is a strong candidate for a pathogenic variant. However, the possibility it may be a rare benign variant cannot be excluded.

NM_001367721.1(CASK):c.496G>C (p.Ala166Pro)

Gene: CASK (calcium/calmodulin dependent serine protein kinase; minus strand). Cytogenetic location: Xp11.4.
Variant type: single nucleotide variant.
Coding change: c.496G>C on transcript NM_001367721.1 (MANE Select); coding-DNA position 496, G replaced by C.
Protein change: p.Ala166Pro; replaces alanine 166 with proline.
Molecular consequence: missense variant.
Genome position (GRCh38, 1-based): chrX:41,671,464, C>G on the plus strand (G>C on the coding strand, the complement: CASK is on the minus strand). VCF-style: chrX-41671464-C-G. GRCh37 (hg19) VCF-style: chrX-41530717-C-G.
Other names: c.496G>C, p.Ala166Pro (NM_001126054.3, NM_001126055.3, NM_001410745.1 and 1 more transcripts); short protein forms A166P.
Identifiers: ClinVar variation 432074 (VCV000432074.2), dbSNP rs1556016347, ClinGen allele CA412998971.